The following is an entry in ClinVar:

NM_033056.4(PCDH15):c.5429T>G (p.Leu1810Arg)

Gene: PCDH15 (protocadherin related 15; minus strand). Cytogenetic location: 10q21.1.
Variant type: single nucleotide variant.
Coding change: c.5429T>G on transcript NM_033056.4 (MANE Plus Clinical); coding-DNA position 5429, T replaced by G.
Protein change: p.Leu1810Arg; replaces leucine 1810 with arginine.
Molecular consequence: missense variant. On other transcripts: intron variant (8).
Genome position (GRCh38, 1-based): chr10:53,822,297, A>C on the plus strand (T>G on the coding strand, the complement: PCDH15 is on the minus strand). VCF-style: chr10-53822297-A-C. GRCh37 (hg19) VCF-style: chr10-55582057-A-C.
Other names: c.5450T>G, p.Leu1817Arg (NM_001142763.2); c.5435T>G, p.Leu1812Arg (NM_001142764.2); c.5222T>G, p.Leu1741Arg (NM_001142765.2); c.5420T>G, p.Leu1807Arg (NM_001142766.2); c.5309T>G, p.Leu1770Arg (NM_001142767.2); c.5369T>G, p.Leu1790Arg (NM_001142768.2); c.5360T>G, p.Leu1787Arg (NM_001142773.2); c.5363T>G, p.Leu1788Arg (NM_001354404.2); and 7 more; short protein forms L1741R, L1817R, L1770R, L1787R, L1810R, L1812R, L1788R, L1790R.
Identifiers: ClinVar variation 1519756 (VCV001519756.3), dbSNP rs1299654125, ClinGen allele CA376524969.
Genomic context (GRCh38, chr10:53,822,297, plus strand): 5'-GGTGGAGGGCAAGGAATAGAAGGAGGTGGTGGAGGAAGAGGAGTTGGAAATGGAGGTAGA[A>C]GAGGTGGTGTTGGGGGACCAGACGTTGAAACGGAAAGTGGAAAAAATGTAGGAGGAGGAA-3'
Protein context (NP_149045.3, residues 1800-1820): VSTSGPPTPP[Leu1810Arg]LPPFPTPLPP

ClinVar aggregate classification (germline): Uncertain significance. Review status: criteria provided, multiple submitters, no conflicts (2 of 4 stars). 2 submissions from 2 submitters: Uncertain significance (2). Last evaluated 2022-10-03.

Submissions (2):

GeneDx
Classification: Uncertain significance. Last evaluated: 2022-10-03. Review status: criteria provided, single submitter. Criteria: GeneDx Variant Classification Process June 2021. Collection method: clinical testing. Allele origin: germline. Affected: yes.
Comment: Not observed at significant frequency in large population cohorts (gnomAD); In silico analysis supports that this missense variant does not alter protein structure/function; Has not been previously published as pathogenic or benign to our knowledge

Labcorp Genetics (formerly Invitae), Labcorp
Classification: Uncertain significance. Last evaluated: 2022-03-09. Review status: criteria provided, single submitter. Criteria: Invitae Variant Classification Sherloc (09022015). Collection method: clinical testing. Allele origin: germline.
Comment: This sequence change replaces leucine, which is neutral and non-polar, with arginine, which is basic and polar, at codon 1810 of the PCDH15 protein (p.Leu1810Arg). This variant is not present in population databases (gnomAD no frequency). This variant has not been reported in the literature in individuals affected with PCDH15-related conditions. Algorithms developed to predict the effect of missense changes on protein structure and function are either unavailable or do not agree on the potential impact of this missense change (SIFT: "Tolerated"; PolyPhen-2: "Not Available"; Align-GVGD: "Class C0"). In summary, the available evidence is currently insufficient to determine the role of this variant in disease. Therefore, it has been classified as a Variant of Uncertain Significance.